The following is an entry in ClinVar:

ClinVar aggregate classification (germline): Uncertain significance (1 of 4 stars; one submission).

Conditions:
Atrial standstill 1 (ATRST1). Also called: Atrial standstill, digenic (GJA5/SCN5A); ATRIAL CARDIOMYOPATHY WITH HEART BLOCK; CARDIOMYOPATHY, FAMILIAL, WITH CONDUCTION DISTURBANCE. Identifiers: Orphanet 1344, MedGen C4551959, MONDO:0007171, OMIM 108770.
Atrial fibrillation, familial, 11 (ATFB11). Identifiers: MedGen C3279693, MONDO:0013544, OMIM 614049.

Submission:

Labcorp Genetics (formerly Invitae), Labcorp
Classification: Uncertain significance for Atrial fibrillation, familial, 11; Atrial standstill 1. Last evaluated: 2023-11-29. Review status: criteria provided, single submitter. Criteria: Invitae Variant Classification Sherloc (09022015). Collection method: clinical testing. Allele origin: germline.
Comment: This sequence change creates a premature translational stop signal (p.Tyr172*) in the GJA5 gene. While this is not anticipated to result in nonsense mediated decay, it is expected to disrupt the last 187 amino acid(s) of the GJA5 protein. This variant is not present in population databases (gnomAD no frequency). This variant has not been reported in the literature in individuals affected with GJA5-related conditions. Experimental studies and prediction algorithms are not available or were not evaluated, and the functional significance of this variant is currently unknown. In summary, the available evidence is currently insufficient to determine the role of this variant in disease. Therefore, it has been classified as a Variant of Uncertain Significance.

NM_181703.4(GJA5):c.516C>A (p.Tyr172Ter)

Gene: GJA5 (gap junction protein alpha 5; minus strand). Cytogenetic location: 1q21.2.
Variant type: single nucleotide variant.
Coding change: c.516C>A on transcript NM_181703.4 (MANE Select); coding-DNA position 516, C replaced by A.
Protein change: p.Tyr172Ter; replaces tyrosine 172 with a stop codon.
Molecular consequence: nonsense.
Genome position (GRCh38, 1-based): chr1:147,758,723, G>T on the plus strand (C>A on the coding strand, the complement: GJA5 is on the minus strand). VCF-style: chr1-147758723-G-T. GRCh37 (hg19) VCF-style: chr1-147230831-G-T.
Other names: c.516C>A, p.Tyr172Ter (NM_005266.7); short protein forms Y172*.
Identifiers: ClinVar variation 2954301 (VCV002954301.3), dbSNP rs369888327, ClinGen allele CA342395855.